The following is an entry in ClinVar:

NM_000719.7(CACNA1C):c.5371G>A (p.Val1791Met)

Genes: CACNA1C (calcium voltage-gated channel subunit alpha1 C; plus strand), CACNA1C-AS1 (CACNA1C antisense RNA 1; minus strand). Cytogenetic location: 12p13.33.
Variant type: single nucleotide variant.
Coding change: c.5371G>A on transcript NM_000719.7 (MANE Select); coding-DNA position 5371, G replaced by A.
Protein change: p.Val1791Met; replaces valine 1791 with methionine.
Molecular consequence: missense variant.
Genome position (GRCh38, 1-based): chr12:2,679,723, G>A. VCF-style: chr12-2679723-G-A. GRCh37 (hg19) VCF-style: chr12-2788889-G-A.
Other names: c.5515G>A, p.Val1839Met (NM_001129827.2, NM_199460.4); c.5494G>A, p.Val1832Met (NM_001129829.2); c.5371G>A, p.Val1791Met (NM_001129830.3, NM_001129840.2, NM_001129841.2 and 4 more transcripts); c.5455G>A, p.Val1819Met (NM_001129831.2); c.5431G>A, p.Val1811Met (NM_001129832.2); c.5428G>A, p.Val1810Met (NM_001129833.2, NM_001129834.2, NM_001129835.2); c.5422G>A, p.Val1808Met (NM_001129836.2); c.5395G>A, p.Val1799Met (NM_001129837.2, NM_001129838.2); and 3 more; short protein forms V1780M, V1799M, V1797M, V1810M, V1839M, V1788M, V1819M, V1791M.
Identifiers: ClinVar variation 2202089 (VCV002202089.3), dbSNP rs2532552264, ClinGen allele CA383379108.

ClinVar aggregate classification (germline): Uncertain significance (1 of 4 stars; one submission).

Conditions:
Long QT syndrome (LQTS). Identifiers: MedGen C0023976, MeSH D008133, MONDO:0002442. Disease mechanism: loss of function. Inheritance: Various modes of inheritance.

Allele frequency attached by ClinVar (database versions not stated): gnomAD exomes below 0.00001.
gnomAD v4.1: 1 of 1,607,992 alleles (0.000062%); highest among the groups gnomAD compares: Non-Finnish European, 0.000085%; no homozygotes.

Submission:

Labcorp Genetics (formerly Invitae), Labcorp
Classification: Uncertain significance for Long QT syndrome. Last evaluated: 2024-05-01. Review status: criteria provided, single submitter. Criteria: Invitae Variant Classification Sherloc (09022015). Collection method: clinical testing. Allele origin: germline.
Comment: This sequence change replaces valine, which is neutral and non-polar, with methionine, which is neutral and non-polar, at codon 1791 of the CACNA1C protein (p.Val1791Met). This variant is not present in population databases (gnomAD no frequency). This variant has not been reported in the literature in individuals affected with CACNA1C-related conditions. ClinVar contains an entry for this variant (Variation ID: 2202089). Advanced modeling of protein sequence and biophysical properties (such as structural, functional, and spatial information, amino acid conservation, physicochemical variation, residue mobility, and thermodynamic stability) performed at Invitae indicates that this missense variant is not expected to disrupt CACNA1C protein function with a negative predictive value of 95%. In summary, the available evidence is currently insufficient to determine the role of this variant in disease. Therefore, it has been classified as a Variant of Uncertain Significance.